The following is an entry in ClinVar:

ClinVar aggregate classification (germline): Uncertain significance (1 of 4 stars; one submission).

Conditions:
Severe combined immunodeficiency due to DNA-PKcs deficiency. Also called: Immunodeficiency 26 with or without neurologic abnormalities; IMMUNODEFICIENCY 26 WITH NEUROLOGIC ABNORMALITIES. Identifiers: Orphanet 317425, MedGen C4014833, MONDO:0014423, OMIM 615966.

gnomAD v4.1: 5 of 1,607,838 alleles (0.00031%); highest among the groups gnomAD compares: Non-Finnish European, 0.00042%; no homozygotes.

Submission:

Labcorp Genetics (formerly Invitae), Labcorp
Classification: Uncertain significance for Severe combined immunodeficiency due to DNA-PKcs deficiency. Last evaluated: 2024-07-31. Review status: criteria provided, single submitter. Criteria: Invitae Variant Classification Sherloc (09022015). Collection method: clinical testing. Allele origin: germline.
Comment: This sequence change replaces arginine, which is basic and polar, with serine, which is neutral and polar, at codon 1816 of the PRKDC protein (p.Arg1816Ser). This variant is not present in population databases (gnomAD no frequency). This variant has not been reported in the literature in individuals affected with PRKDC-related conditions. Advanced modeling of protein sequence and biophysical properties (such as structural, functional, and spatial information, amino acid conservation, physicochemical variation, residue mobility, and thermodynamic stability) performed at Invitae indicates that this missense variant is expected to disrupt PRKDC protein function with a positive predictive value of 80%. In summary, the available evidence is currently insufficient to determine the role of this variant in disease. Therefore, it has been classified as a Variant of Uncertain Significance.

NM_006904.7(PRKDC):c.5446C>A (p.Arg1816Ser)

Gene: PRKDC (protein kinase, DNA-activated, catalytic subunit; minus strand). Cytogenetic location: 8q11.21.
Variant type: single nucleotide variant.
Coding change: c.5446C>A on transcript NM_006904.7 (MANE Select); coding-DNA position 5446, C replaced by A.
Protein change: p.Arg1816Ser; replaces arginine 1816 with serine.
Molecular consequence: missense variant.
Genome position (GRCh38, 1-based): chr8:47,864,681, G>T on the plus strand (C>A on the coding strand, the complement: PRKDC is on the minus strand). VCF-style: chr8-47864681-G-T. GRCh37 (hg19) VCF-style: chr8-48777242-G-T.
Other names: c.5446C>A, p.Arg1816Ser (NM_001081640.2); short protein forms R1816S.
Identifiers: ClinVar variation 3661117 (VCV003661117.2).
Genomic context (GRCh38, chr8:47,864,681, plus strand): 5'-AAGCATCCAGGCTACAGTGCCACAGCAGAGTGAGGAGGGAGCGGTCCACAAAGGACTGGC[G>T]TGTGAAACTTAGGCGGGGGTCATCCTTCCTGAACATTTCATACACGCTTTCCAGAAGGCC-3'
Protein context (NP_008835.5, residues 1806-1826): RKDDPRLSFT[Arg1816Ser]QSFVDRSLLT